The following is an entry in ClinVar:

ClinVar aggregate classification (germline): Uncertain significance. Review status: criteria provided, multiple submitters, no conflicts (2 of 4 stars). 2 submissions from 2 submitters: Uncertain significance (2). Last evaluated 2024-07-02.

Conditions:
Long QT syndrome (LQTS). Identifiers: MedGen C0023976, MeSH D008133, MONDO:0002442. Disease mechanism: loss of function. Inheritance: Various modes of inheritance.

Allele frequency attached by ClinVar (database versions not stated): gnomAD 0.00001; TOPMed 0.00001.
gnomAD v4.1: 9 of 1,613,726 alleles (0.00056%); highest among the groups gnomAD compares: Non-Finnish European, 0.00059%; no homozygotes.

Submissions (2):

Blueprint Genetics
Classification: Uncertain significance. Last evaluated: 2024-07-02. Review status: criteria provided, single submitter. Criteria: ACMG Guidelines, 2015. Collection method: clinical testing. Allele origin: germline.

Labcorp Genetics (formerly Invitae), Labcorp
Classification: Uncertain significance for Long QT syndrome. Last evaluated: 2022-04-09. Review status: criteria provided, single submitter. Criteria: Invitae Variant Classification Sherloc (09022015). Collection method: clinical testing. Allele origin: germline.
Comment: This sequence change replaces glutamic acid, which is acidic and polar, with aspartic acid, which is acidic and polar, at codon 14 of the ANK2 protein (p.Glu14Asp). This variant is present in population databases (no rsID available, gnomAD 0.0009%). This variant has not been reported in the literature in individuals affected with ANK2-related conditions. Algorithms developed to predict the effect of missense changes on protein structure and function (SIFT, PolyPhen-2, Align-GVGD) all suggest that this variant is likely to be tolerated. In summary, the available evidence is currently insufficient to determine the role of this variant in disease. Therefore, it has been classified as a Variant of Uncertain Significance.

NM_001148.6(ANK2):c.42G>T (p.Glu14Asp)

Gene: ANK2 (ankyrin 2; plus strand). Cytogenetic location: 4q25.
Variant type: single nucleotide variant.
Coding change: c.42G>T on transcript NM_001148.6 (MANE Select); coding-DNA position 42, G replaced by T.
Protein change: p.Glu14Asp; replaces glutamic acid 14 with aspartic acid.
Molecular consequence: missense variant. On other transcripts: intron variant (43).
Genome position (GRCh38, 1-based): chr4:113,049,770, G>T. VCF-style: chr4-113049770-G-T. GRCh37 (hg19) VCF-style: chr4-113970926-G-T.
Other names: c.42G>T, p.Glu14Asp (NM_001354225.2, NM_001354228.2, NM_001354232.2 and 10 more transcripts); c.73-124646G>T (NM_001386186.2, NM_001386148.2, NM_001354269.3 and 1 more transcripts); c.22-101310G>T (NM_001386147.1, NM_001386160.1, NM_001354261.2); c.22-124646G>T (NM_001354254.2, NM_001354239.2, NM_001354252.2 and 33 more transcripts); short protein forms E14D.
Identifiers: ClinVar variation 2420937 (VCV002420937.7), dbSNP rs983314290, ClinGen allele CA104483598.